The following is an entry in ClinVar:

ClinVar aggregate classification (germline): Uncertain significance (1 of 4 stars; one submission).

Conditions:
Early-infantile DEE. Also called: Early infantile epileptic encephalopathy; Ohtahara syndrome; Early infantile epileptic encephalopathy with suppression bursts. Identifiers: Orphanet 1934, MedGen C0393706, MONDO:0800491.

Allele frequency attached by ClinVar (database versions not stated): TOPMed below 0.00001.

Submission:

Labcorp Genetics (formerly Invitae), Labcorp
Classification: Uncertain significance for Early-infantile DEE. Last evaluated: 2022-08-15. Review status: criteria provided, single submitter. Criteria: Invitae Variant Classification Sherloc (09022015). Collection method: clinical testing. Allele origin: germline.
Comment: This sequence change creates a premature translational stop signal (p.Arg722*) in the ARHGEF15 gene. It is expected to result in an absent or disrupted protein product. However, the current clinical and genetic evidence is not sufficient to establish whether loss-of-function variants in ARHGEF15 cause disease. In summary, the available evidence is currently insufficient to determine the role of this variant in disease. Therefore, it has been classified as a Variant of Uncertain Significance. ClinVar contains an entry for this variant (Variation ID: 1439275). This variant has not been reported in the literature in individuals affected with ARHGEF15-related conditions. This variant is not present in population databases (gnomAD no frequency).

NM_173728.4(ARHGEF15):c.2164C>T (p.Arg722Ter)

Gene: ARHGEF15 (Rho guanine nucleotide exchange factor 15; plus strand). Cytogenetic location: 17p13.1.
Variant type: single nucleotide variant.
Coding change: c.2164C>T on transcript NM_173728.4 (MANE Select); coding-DNA position 2164, C replaced by T.
Protein change: p.Arg722Ter; replaces arginine 722 with a stop codon.
Molecular consequence: nonsense.
Genome position (GRCh38, 1-based): chr17:8,319,137, C>T. VCF-style: chr17-8319137-C-T. GRCh37 (hg19) VCF-style: chr17-8222455-C-T.
Other names: c.2164C>T, p.Arg722Ter (NM_025014.2); short protein forms R722*.
Identifiers: ClinVar variation 1439275 (VCV001439275.7), dbSNP rs1905216199, ClinGen allele CA398024780.